The following is an entry in ClinVar:

ClinVar aggregate classification (germline): Uncertain significance (1 of 4 stars; one submission).

Submission:

Ambry Genetics
Classification: Uncertain significance. Last evaluated: 2022-05-31. Review status: criteria provided, single submitter. Criteria: Ambry Variant Classification Scheme 2023. Collection method: clinical testing. Allele origin: germline.
Comment: The p.Q724R variant (also known as c.2171A>G), located in coding exon 11 of the PALLD gene, results from an A to G substitution at nucleotide position 2171. The glutamine at codon 724 is replaced by arginine, an amino acid with highly similar properties. This amino acid position is conserved. In addition, this alteration is predicted to be tolerated by in silico analysis. Since supporting evidence is limited at this time, the clinical significance of this alteration remains unclear.

NM_001166108.2(PALLD):c.2171A>G (p.Gln724Arg)

Genes: CBR4 (carbonyl reductase 4; minus strand), PALLD (palladin, cytoskeletal associated protein; plus strand). Cytogenetic location: 4q32.3.
Variant type: single nucleotide variant.
Coding change: c.2171A>G on transcript NM_001166108.2 (MANE Select); coding-DNA position 2171, A replaced by G.
Protein change: p.Gln724Arg; replaces glutamine 724 with arginine.
Molecular consequence: missense variant.
Genome position (GRCh38, 1-based): chr4:168,894,649, A>G. VCF-style: chr4-168894649-A-G. GRCh37 (hg19) VCF-style: chr4-169815800-A-G.
Other names: c.1025A>G, p.Gln342Arg (NM_001166109.2); c.710A>G, p.Gln237Arg (NM_001166110.2); c.50A>G, p.Gln17Arg (NM_001367567.1, NM_001367568.1, NM_001367569.1 and 1 more transcripts); c.2171A>G, p.Gln724Arg (NM_016081.4); short protein forms Q17R, Q237R, Q342R, Q724R.
Identifiers: ClinVar variation 1787102 (VCV001787102.2), dbSNP rs2533638980, ClinGen allele CA358797769.